The following is an entry in ClinVar:

NM_177398.4(LMX1A):c.594G>A (p.Pro198=)

Gene: LMX1A (LIM homeobox transcription factor 1 alpha; minus strand). Cytogenetic location: 1q23.3.
Variant type: single nucleotide variant.
Coding change: c.594G>A on transcript NM_177398.4 (MANE Select); coding-DNA position 594, G replaced by A.
Protein change: p.Pro198=; no amino-acid change (proline 198 retained).
Molecular consequence: synonymous variant.
Genome position (GRCh38, 1-based): chr1:165,213,716, C>T on the plus strand (G>A on the coding strand, the complement: LMX1A is on the minus strand). VCF-style: chr1-165213716-C-T. GRCh37 (hg19) VCF-style: chr1-165182953-C-T.
Other names: c.594G>A, p.Pro198= (NM_001174069.2).
Identifiers: ClinVar variation 2639525 (VCV002639525.25), dbSNP rs200303223, ClinGen allele CA1219756.

ClinVar aggregate classification (germline): Likely benign. Review status: criteria provided, multiple submitters, no conflicts (2 of 4 stars). 2 submissions from 2 submitters: Likely benign (2). Last evaluated 2024-10-29.

Allele frequency attached by ClinVar (database versions not stated): ESP Exome Variant Server 0.00038; TOPMed 0.00045; ExAC 0.00050; gnomAD 0.00073.
gnomAD v4.1: 1,275 of 1,614,094 alleles (0.079%); highest among the groups gnomAD compares: Non-Finnish European, 0.1%; 3 homozygotes.

Submissions (2):

Blueprint Genetics
Classification: Likely benign. Last evaluated: 2024-10-29. Review status: criteria provided, single submitter. Criteria: ACMG Guidelines, 2015. Collection method: clinical testing. Allele origin: germline.

CeGaT Center for Human Genetics Tuebingen
Classification: Likely benign. Last evaluated: 2023-06-01. Review status: criteria provided, single submitter. Criteria: CeGaT Center For Human Genetics Tuebingen Variant Classification Criteria Version 2. Collection method: clinical testing. Allele origin: germline. Affected: yes. Observed: 1 variant allele.
Comment: LMX1A: BP4, BP7